The following is an entry in ClinVar:

NM_000341.4(SLC3A1):c.1367G>T (p.Arg456Leu)

Gene: SLC3A1 (solute carrier family 3 member 1; plus strand). Cytogenetic location: 2p21.
Variant type: single nucleotide variant.
Coding change: c.1367G>T on transcript NM_000341.4 (MANE Select); coding-DNA position 1367, G replaced by T.
Protein change: p.Arg456Leu; replaces arginine 456 with leucine.
Molecular consequence: missense variant.
Genome position (GRCh38, 1-based): chr2:44,312,620, G>T. VCF-style: chr2-44312620-G-T. GRCh37 (hg19) VCF-style: chr2-44539759-G-T.
Other names: short protein forms R456L.
Identifiers: ClinVar variation 4526819 (VCV004526819.2).

ClinVar aggregate classification (germline): Conflicting classifications of pathogenicity. Review status: criteria provided, conflicting classifications (1 of 4 stars). 2 submissions from 2 submitters: Likely pathogenic (1); Uncertain significance (1). Last evaluated 2025-10-03.

Conditions:
Cystinuria (CSNU). Also called: CYSTINURIA, TYPE I; CYSTINURIA, TYPE II; CYSTINURIA, TYPE III; Cystinuria, non-type I. Identifiers: Orphanet 214, MedGen C0010691, MONDO:0009067, OMIM 220100, HP:0003131.

gnomAD v4.1: 2 of 1,613,990 alleles (0.00012%); highest among the groups gnomAD compares: South Asian, 0.0011%; no homozygotes.

Submissions (2):

Rare Kidney Stone Consortium and the Mayo Clinic Hyperoxaluria Center, Mayo Clinic
Classification: Likely pathogenic for Cystinuria. Last evaluated: 2025-10-03. Review status: criteria provided, single submitter. Criteria: ACMG Guidelines, 2015. Collection method: research. Allele origin: germline. Affected: yes. Observed: 1 variant allele.
Comment: ACMG:PM1, PM2, PM6, PP3, PP4

Blueprint Genetics
Classification: Uncertain significance. Last evaluated: 2022-10-05. Review status: criteria provided, single submitter. Criteria: ACMG Guidelines, 2015. Collection method: clinical testing. Allele origin: germline.

Literature cited by the submitters: PubMed 40794449 (cited by Rare Kidney Stone Consortium and the Mayo Clinic Hyperoxaluria Center, Mayo Clinic).